The following is an entry in ClinVar:

NM_017909.4(RMND1):c.1335A>G (p.Gly445=)

Gene: RMND1 (required for meiotic nuclear division 1 homolog; minus strand). Cytogenetic location: 6q25.1.
Variant type: single nucleotide variant.
Coding change: c.1335A>G on transcript NM_017909.4 (MANE Select); coding-DNA position 1335, A replaced by G.
Protein change: p.Gly445=; no amino-acid change (glycine 445 retained).
Molecular consequence: synonymous variant.
Genome position (GRCh38, 1-based): chr6:151,405,250, T>C on the plus strand (A>G on the coding strand, the complement: RMND1 is on the minus strand). VCF-style: chr6-151405250-T-C. GRCh37 (hg19) VCF-style: chr6-151726385-T-C.
Other names: c.825A>G, p.Gly275= (NM_001271937.2).
Identifiers: ClinVar variation 511016 (VCV000511016.1), dbSNP rs1554340250, ClinGen allele CA452739893.
Genomic context (GRCh38, chr6:151,405,250, plus strand): 5'-TAGAACTTGAATATCTCTTGCAGTGACACTTTGGTTATCACTTGATCAGAAAAATACTCG[T>C]CCCAGCTCAAACATTACCTTAGAATAGAAAGTGAGAATTATTTCATGACGGGCAAATTAT-3'
Protein context (NP_060379.2, residues 435-449): LITIEVMFEL[Gly445=]RVFF

ClinVar aggregate classification (germline): Likely benign (1 of 4 stars; one submission).

Submission:

GeneDx
Classification: Likely benign. Last evaluated: 2017-08-02. Review status: criteria provided, single submitter. Criteria: GeneDx Variant Classification (06012015). Collection method: clinical testing. Allele origin: germline. Affected: yes.
Comment: This variant is considered likely benign or benign based on one or more of the following criteria: it is a conservative change, it occurs at a poorly conserved position in the protein, it is predicted to be benign by multiple in silico algorithms, and/or has population frequency not consistent with disease.